The following is an entry in ClinVar:

NM_020708.5(SLC12A5):c.1522C>T (p.Arg508Cys)

Gene: SLC12A5 (solute carrier family 12 member 5; plus strand). Cytogenetic location: 20q13.12.
Variant type: single nucleotide variant.
Coding change: c.1522C>T on transcript NM_020708.5 (MANE Select); coding-DNA position 1522, C replaced by T.
Protein change: p.Arg508Cys; replaces arginine 508 with cysteine.
Molecular consequence: missense variant.
Genome position (GRCh38, 1-based): chr20:46,045,093, C>T. VCF-style: chr20-46045093-C-T. GRCh37 (hg19) VCF-style: chr20-44673732-C-T.
Other names: c.1591C>T, p.Arg531Cys (NM_001134771.2); short protein forms R508C, R531C.
Identifiers: ClinVar variation 2582468 (VCV002582468.2), dbSNP rs2084582431, ClinGen allele CA409195288.
Genomic context (GRCh38, chr20:46,045,093, plus strand): 5'-GTCATCGGATCCTTCTTCTCCACCTGTGGGGCTGGGCTGCAGAGCCTCACGGGGGCCCCA[C>T]GCCTGCTGCAGGCCATCTCGAGGGATGGCATTGTGCCCTTCCTGCAGGTCAGTGTGGGAG-3'
Protein context (NP_065759.1, residues 498-518): AGLQSLTGAP[Arg508Cys]LLQAISRDGI

ClinVar aggregate classification (germline): Uncertain significance. Review status: criteria provided, single submitter (1 of 4 stars). 2 submissions from 2 submitters: Uncertain significance (1). 1 of the submissions does not count toward it. Last evaluated 2023-05-25.

Conditions:
Epilepsy, idiopathic generalized, susceptibility to, 14 (EIG14). Identifiers: MedGen C4225245, MONDO:0014734, OMIM 616685.
Developmental and epileptic encephalopathy, 34 (DEE34). Also called: Early infantile epileptic encephalopathy 34; SLC12A5-Related Epilepsy of Infancy with Migrating Focal Seizures. Identifiers: Orphanet 293181, MedGen C4225257, MONDO:0014718, OMIM 616645.

Allele frequency attached by ClinVar (database versions not stated): gnomAD exomes below 0.00001; gnomAD 0.00001; TOPMed 0.00001.
gnomAD v4.1: 3 of 1,610,124 alleles (0.00019%); highest among the groups gnomAD compares: African/African-American, 0.0013%; no homozygotes.

Submissions (2):

Baylor Genetics
Classification: Uncertain significance for Epilepsy, idiopathic generalized, susceptibility to, 14. Last evaluated: 2023-05-25. Review status: criteria provided, single submitter. Criteria: ACMG Guidelines, 2015. Collection method: clinical testing. Allele origin: unknown.

Clinical Centre, Clinical Genetics Centre, University of Debrecen
Classification: Likely pathogenic for Developmental and epileptic encephalopathy, 34. Last evaluated: 2026-09-15. Review status: no assertion criteria provided. Collection method: clinical testing. Allele origin: biparental. Inheritance: Autosomal recessive inheritance. Affected: yes. Observed: 1 variant allele, 1 homozygote. Not counted in ClinVar's aggregate classification.
Comment: Based on ACMG guidelines, this variant can be classified as likely pathogenic. The PS3 criterion is supported by functional data demonstrating a loss-of-function effect on KCC2 protein activity (PMID: 42309338). The variant fulfills PM2 due to its extremely low frequency in gnomAD (3 heterozygous carriers, no homozygotes; MAF: 0.000001863). PP3 is supported by in silico tools, predicting a deleterious effect, and PP2 applies, given the gene's intolerance to benign missense variation and the established role of missense mutations in disease mechanisms.

Literature cited by the submitters: DOI 10.1016/j.expneurol.2026.115882 (cited by Clinical Centre, Clinical Genetics Centre, University of Debrecen).